The following is an entry in ClinVar:

ClinVar aggregate classification (germline): Uncertain significance. Review status: criteria provided, multiple submitters, no conflicts (2 of 4 stars). 2 submissions from 2 submitters: Uncertain significance (2). Last evaluated 2023-09-26.

Conditions:
DICER1-related tumor predisposition. Also called: DICER1 syndrome; DICER1-related pleuropulmonary blastoma cancer predisposition syndrome. Identifiers: Orphanet 284343, MedGen C3839822, MONDO:0100216.
Hereditary cancer-predisposing syndrome. Also called: Hereditary neoplastic syndrome; Neoplastic Syndromes, Hereditary; Tumor predisposition; Hereditary Cancer Syndrome. Identifiers: Orphanet 140162, MedGen C0027672, MeSH D009386, MONDO:0015356.

Allele frequency attached by ClinVar (database versions not stated): gnomAD exomes below 0.00001; gnomAD 0.00001.
gnomAD v4.1: 2 of 1,613,674 alleles (0.00012%); highest among the groups gnomAD compares: Non-Finnish European, 0.00017%; no homozygotes.

Submissions (2):

Labcorp Genetics (formerly Invitae), Labcorp
Classification: Uncertain significance for DICER1-related tumor predisposition. Last evaluated: 2023-09-26. Review status: criteria provided, single submitter. Criteria: Invitae Variant Classification Sherloc (09022015). Collection method: clinical testing. Allele origin: germline.
Comment: This sequence change replaces alanine, which is neutral and non-polar, with serine, which is neutral and polar, at codon 555 of the DICER1 protein (p.Ala555Ser). This variant is not present in population databases (gnomAD no frequency). This variant has not been reported in the literature in individuals affected with DICER1-related conditions. ClinVar contains an entry for this variant (Variation ID: 1027163). Advanced modeling of protein sequence and biophysical properties (such as structural, functional, and spatial information, amino acid conservation, physicochemical variation, residue mobility, and thermodynamic stability) performed at Invitae indicates that this missense variant is not expected to disrupt DICER1 protein function. In summary, the available evidence is currently insufficient to determine the role of this variant in disease. Therefore, it has been classified as a Variant of Uncertain Significance.

Ambry Genetics
Classification: Uncertain significance for Hereditary cancer-predisposing syndrome. Last evaluated: 2018-02-13. Review status: criteria provided, single submitter. Criteria: Ambry General Variant Classification Scheme_2022. Collection method: clinical testing. Allele origin: germline. Observed: 1 variant allele.
Comment: The p.A555S variant (also known as c.1663G>T), located in coding exon 9 of the DICER1 gene, results from a G to T substitution at nucleotide position 1663. The alanine at codon 555 is replaced by serine, an amino acid with very few similar properties. This amino acid position is highly conserved in available vertebrate species. In addition, this alteration is predicted to be tolerated by in silico analysis. Since supporting evidence is limited at this time, the clinical significance of this alteration remains unclear.

NM_177438.3(DICER1):c.1663G>T (p.Ala555Ser)

Gene: DICER1 (dicer 1, ribonuclease III; minus strand). Cytogenetic location: 14q32.13.
Variant type: single nucleotide variant.
Coding change: c.1663G>T on transcript NM_177438.3 (MANE Select); coding-DNA position 1663, G replaced by T.
Protein change: p.Ala555Ser; replaces alanine 555 with serine.
Molecular consequence: missense variant.
Genome position (GRCh38, 1-based): chr14:95,116,542, C>A on the plus strand (G>T on the coding strand, the complement: DICER1 is on the minus strand). VCF-style: chr14-95116542-C-A. GRCh37 (hg19) VCF-style: chr14-95582879-C-A.
Other names: c.1663G>T, p.Ala555Ser (NM_001195573.1, NM_001271282.3, NM_001291628.2 and 1 more transcripts); short protein forms A555S.
Identifiers: ClinVar variation 1027163 (VCV001027163.9), dbSNP rs1892489257, ClinGen allele CA390884847.